The following is an entry in ClinVar:

NM_000053.4(ATP7B):c.2374C>T (p.Leu792=)

Gene: ATP7B (ATPase copper transporting beta; minus strand). Cytogenetic location: 13q14.3.
Variant type: single nucleotide variant.
Coding change: c.2374C>T on transcript NM_000053.4 (MANE Select); coding-DNA position 2374, C replaced by T.
Protein change: p.Leu792=; no amino-acid change (leucine 792 retained).
Molecular consequence: synonymous variant.
Genome position (GRCh38, 1-based): chr13:51,957,589, G>A on the plus strand (C>T on the coding strand, the complement: ATP7B is on the minus strand). VCF-style: chr13-51957589-G-A. GRCh37 (hg19) VCF-style: chr13-52531725-G-A.
Other names: c.2374C>T (NM_000053.3); c.1888C>T, p.Leu630= (NM_001005918.3); c.2041C>T, p.Leu681= (NM_001243182.2); c.2140C>T, p.Leu714= (NM_001330578.2); c.2122C>T, p.Leu708= (NM_001330579.2).
Identifiers: ClinVar variation 991422 (VCV000991422.11), dbSNP rs757244072, ClinGen allele CA6989043.
Genomic context (GRCh38, chr13:51,957,589, plus strand): 5'-TGTCCTCACCAAGGGTCACAACGGTGGCTTCTGTGGCTTGGAGAGACATGAGTTTAGCCA[G>A]GGCTTCTGAGGTTTTGCTCTAGGAAATAACCAGAATGTGAAATGAGAGCTATCGAAAGCA-3'
Protein context (NP_000044.2, residues 782-802): HLAKSKTSEA[Leu792=]AKLMSLQATE

ClinVar aggregate classification (germline): Likely benign. Review status: criteria provided, multiple submitters, no conflicts (2 of 4 stars). 5 submissions from 5 submitters: Likely benign (3). 2 of the submissions do not count toward it. Last evaluated 2025-07-29.

Conditions:
ATP7B-related disorder. Also called: ATP7B-related condition.
Wilson disease (WND). Also called: Wilson's disease. Identifiers: Orphanet 905, MedGen C0019202, MONDO:0010200, OMIM 277900. Disease mechanism: loss of function.

Allele frequency attached by ClinVar (database versions not stated): TOPMed below 0.00001; gnomAD exomes 0.00001 and 0.00004; ExAC 0.00002; gnomAD 0.00002.
gnomAD v4.1: 62 of 1,614,050 alleles (0.0038%); highest among the groups gnomAD compares: Non-Finnish European, 0.0053%; no homozygotes.

Submissions (5):

Labcorp Genetics (formerly Invitae), Labcorp
Classification: Likely benign for Wilson disease. Last evaluated: 2025-07-29. Review status: criteria provided, single submitter. Criteria: Invitae Variant Classification Sherloc (09022015). Collection method: clinical testing. Allele origin: germline.

All of Us Research Program, National Institutes of Health
Classification: Likely benign for Wilson disease. Last evaluated: 2024-01-03. Review status: criteria provided, single submitter. Criteria: ACMG Guidelines, 2015. Collection method: clinical testing. Allele origin: germline. Inheritance: Autosomal recessive inheritance. Observed: 5 variant alleles, 5 heterozygotes.
Comment: This study involves interpretation of variants in research participants for the purpose of population health screening. Participant phenotype was not available at the time of variant classification. Additional details can be found in publication PMID: 35346344, PMCID: PMC8962531

Color Diagnostics, LLC DBA Color Health
Classification: Likely benign for Wilson disease. Last evaluated: 2022-04-22. Review status: criteria provided, single submitter. Criteria: ACMG Guidelines, 2015. Collection method: clinical testing. Allele origin: germline.

PreventionGenetics, part of Exact Sciences
Classification: Likely benign for ATP7B-related condition. Last evaluated: 2024-03-11. Review status: no assertion criteria provided. Collection method: clinical testing. Allele origin: germline. Not counted in ClinVar's aggregate classification.
Comment: This variant is classified as likely benign based on ACMG/AMP sequence variant interpretation guidelines (Richards et al. 2015 PMID: 25741868, with internal and published modifications).

Natera, Inc.
Classification: Uncertain significance for Wilson disease. Last evaluated: 2020-04-15. Review status: no assertion criteria provided. Collection method: clinical testing. Allele origin: germline. Not counted in ClinVar's aggregate classification.